The following is an entry in ClinVar:

NM_000051.4(ATM):c.3552A>G (p.Gly1184=)

Gene: ATM (ATM serine/threonine kinase; plus strand). Cytogenetic location: 11q22.3.
Variant type: single nucleotide variant.
Coding change: c.3552A>G on transcript NM_000051.4 (MANE Select); coding-DNA position 3552, A replaced by G.
Protein change: p.Gly1184=; no amino-acid change (glycine 1184 retained).
Molecular consequence: synonymous variant.
Genome position (GRCh38, 1-based): chr11:108,281,144, A>G. VCF-style: chr11-108281144-A-G. GRCh37 (hg19) VCF-style: chr11-108151871-A-G.
Other names: c.3552A>G, p.Gly1184= (NM_001351834.2).
Identifiers: ClinVar variation 3254424 (VCV003254424.2), dbSNP rs2546871416.

ClinVar aggregate classification (germline): Conflicting classifications of pathogenicity. Review status: criteria provided, conflicting classifications (1 of 4 stars). 2 submissions from 2 submitters: Uncertain significance (1); Benign (1). Last evaluated 2024-09-20.

Conditions:
Familial cancer of breast. Also called: BREAST CANCER, FAMILIAL; Hereditary breast cancer; hereditary breast carcinoma. Identifiers: Orphanet 227535, MedGen C0346153, MONDO:0016419, OMIM 114480. Disease mechanism: loss of function.
Hereditary cancer-predisposing syndrome. Also called: Hereditary Cancer Syndrome; Tumor predisposition; Hereditary neoplastic syndrome; Neoplastic Syndromes, Hereditary. Identifiers: Orphanet 140162, MedGen C0027672, MeSH D009386, MONDO:0015356.

Submissions (2):

Ambry Genetics
Classification: Uncertain significance for Hereditary cancer-predisposing syndrome. Last evaluated: 2024-09-20. Review status: criteria provided, single submitter. Criteria: Ambry Variant Classification Scheme 2023. Collection method: clinical testing. Allele origin: germline.
Comment: The c.3552A>G variant (also known as p.G1184G), located in coding exon 23 of the ATM gene, results from an A to G substitution at nucleotide position 3552. This nucleotide substitution does not change the Glycine at codon 1184. This nucleotide position is well conserved in available vertebrate species. In silico splice site analysis predicts that this alteration may weaken the native splice donor site; however, direct evidence is insufficient at this time (Ambry internal data). Based on the available evidence, the clinical significance of this variant remains unclear.

Myriad Genetics, Inc.
Classification: Benign for Familial cancer of breast. Last evaluated: 2024-05-14. Review status: criteria provided, single submitter. Criteria: Myriad Autosomal Dominant, Autosomal Recessive and X-Linked Classification Criteria (2023). Collection method: clinical testing. Allele origin: unknown.
Comment: This variant is considered benign. This variant is a silent/synonymous amino acid change and it is not expected to impact splicing.